The following is an entry in ClinVar:

ClinVar aggregate classification (germline): Uncertain significance (1 of 4 stars; one submission).

Conditions:
Isolated microphthalmia 2. Identifiers: Orphanet 2542, MedGen C1864720, MONDO:0012409, OMIM 610093.

Allele frequency attached by ClinVar (database versions not stated): TOPMed below 0.00001; gnomAD 0.00001; ExAC 0.00002.
gnomAD v4.1: 18 of 1,613,554 alleles (0.0011%); highest among the groups gnomAD compares: Admixed American, 0.005%; no homozygotes.

Submission:

Labcorp Genetics (formerly Invitae), Labcorp
Classification: Uncertain significance for Isolated microphthalmia 2. Last evaluated: 2022-08-21. Review status: criteria provided, single submitter. Criteria: Invitae Variant Classification Sherloc (09022015). Collection method: clinical testing. Allele origin: germline.
Comment: This sequence change replaces valine, which is neutral and non-polar, with isoleucine, which is neutral and non-polar, at codon 175 of the VSX2 protein (p.Val175Ile). This variant is present in population databases (rs777493485, gnomAD 0.003%). This variant has not been reported in the literature in individuals affected with VSX2-related conditions. Algorithms developed to predict the effect of missense changes on protein structure and function (SIFT, PolyPhen-2, Align-GVGD) all suggest that this variant is likely to be disruptive. In summary, the available evidence is currently insufficient to determine the role of this variant in disease. Therefore, it has been classified as a Variant of Uncertain Significance.

NM_182894.3(VSX2):c.523G>A (p.Val175Ile)

Gene: VSX2 (visual system homeobox 2; plus strand). Cytogenetic location: 14q24.3.
Variant type: single nucleotide variant.
Coding change: c.523G>A on transcript NM_182894.3 (MANE Select); coding-DNA position 523, G replaced by A.
Protein change: p.Val175Ile; replaces valine 175 with isoleucine.
Molecular consequence: missense variant.
Genome position (GRCh38, 1-based): chr14:74,245,232, G>A. VCF-style: chr14-74245232-G-A. GRCh37 (hg19) VCF-style: chr14-74711935-G-A.
Other names: short protein forms V175I.
Identifiers: ClinVar variation 2195441 (VCV002195441.1), dbSNP rs777493485, ClinGen allele CA7266348.
Genomic context (GRCh38, chr14:74,245,232, plus strand): 5'-TTTACCTCCTACCAGCTAGAGGAGCTGGAGAAGGCATTCAACGAAGCCCACTACCCAGAC[G>A]TCTATGCCCGGGAGATGCTGGCCATGAAAACGGAGCTGCCGGAAGACAGGATACAGGTAA-3'
Protein context (NP_878314.1, residues 165-185): KAFNEAHYPD[Val175Ile]YAREMLAMKT